The following is an entry in ClinVar:

ClinVar aggregate classification (germline): Benign (0 of 4 stars; one submission).

Conditions:
SEMA7A-related disorder. Also called: SEMA7A-related condition.

Allele frequency attached by ClinVar (database versions not stated): ESP Exome Variant Server 0.18789; gnomAD 0.18869; TOPMed 0.19630; 1000 Genomes Project 0.22105; 1000 Genomes Project 30x 0.22283.
gnomAD v4.1: 215,826 of 1,611,964 alleles (13%); highest among the groups gnomAD compares: African/African-American, 35%; 17,372 homozygotes.

Submission:

PreventionGenetics, part of Exact Sciences
Classification: Benign for SEMA7A-related condition. Last evaluated: 2019-10-24. Review status: no assertion criteria provided. Collection method: clinical testing. Allele origin: germline.
Comment: This variant is classified as benign based on ACMG/AMP sequence variant interpretation guidelines (Richards et al. 2015 PMID: 25741868, with internal and published modifications).

NM_003612.5(SEMA7A):c.507C>T (p.Tyr169=)

Gene: SEMA7A (semaphorin 7A (JohnMiltonHagen blood group); minus strand). Cytogenetic location: 15q24.1.
Variant type: single nucleotide variant.
Coding change: c.507C>T on transcript NM_003612.5 (MANE Select); coding-DNA position 507, C replaced by T.
Protein change: p.Tyr169=; no amino-acid change (tyrosine 169 retained).
Molecular consequence: synonymous variant.
Genome position (GRCh38, 1-based): chr15:74,417,634, G>A on the plus strand (C>T on the coding strand, the complement: SEMA7A is on the minus strand). VCF-style: chr15-74417634-G-A. GRCh37 (hg19) VCF-style: chr15-74709975-G-A.
Other names: c.465C>T, p.Tyr155= (NM_001146029.3); c.12C>T, p.Tyr4= (NM_001146030.3).
Identifiers: ClinVar variation 3059494 (VCV003059494.2), dbSNP rs2075589, ClinGen allele CA7657222.